The following is an entry in ClinVar:

ClinVar aggregate classification (germline): Uncertain significance (1 of 4 stars; one submission).

Conditions:
Hereditary diffuse gastric adenocarcinoma (HDGC). Also called: DIFFUSE GASTRIC AND LOBULAR BREAST CANCER SYNDROME. Identifiers: Orphanet 26106, MedGen C1708349, MONDO:0007648, OMIM 137215.

Submission:

Labcorp Genetics (formerly Invitae), Labcorp
Classification: Uncertain significance for Hereditary diffuse gastric adenocarcinoma. Last evaluated: 2018-01-12. Review status: criteria provided, single submitter. Criteria: Invitae Variant Classification Sherloc (09022015). Collection method: clinical testing. Allele origin: germline.
Comment: This variant is a gross duplication of the genomic region encompassing exons 3-16 of the CDH1 gene. The 5' boundary is likely confined to intron 2. The 3' end of this event is unknown as it extends beyond the assayed region for this gene and therefore may encompass additional genes. Duplications of exons 3-16 have not been reported in the literature in individuals with CDH1-related disease. In summary, the available evidence is currently insufficient to determine the role of this variant in disease. Therefore, it has been classified as a Variant of Uncertain Significance.

NC_000016.9:g.(?_68835567)_(68867408_?)dup

Gene: CDH1 (cadherin 1; plus strand). Cytogenetic location: 16q22.1.
Variant type: Duplication.
Identifiers: ClinVar variation 463688 (VCV000463688.1).